The following is an entry in ClinVar:

ClinVar aggregate classification (germline): Uncertain significance. Review status: criteria provided, multiple submitters, no conflicts (2 of 4 stars). 6 submissions from 6 submitters: Uncertain significance (6). Last evaluated 2025-01-01.

Conditions:
Oculocutaneous albinism type 4 (OCA4). Also called: Albinism, oculocutaneous, type IV. Identifiers: Orphanet 79435, MedGen C1847836, MONDO:0011683, OMIM 606574.
SKIN/HAIR/EYE PIGMENTATION 5, BLACK/NONBLACK HAIR (SHEP5). Also called: SKIN/HAIR/EYE PIGMENTATION, VARIATION IN, 5; SKIN/HAIR/EYE PIGMENTATION 5, DARK/FAIR SKIN; SKIN/HAIR/EYE PIGMENTATION 5, DARK/LIGHT EYES. Identifiers: MedGen C2673584, OMIM 227240.

Allele frequency attached by ClinVar (database versions not stated): gnomAD exomes 0.00006 and 0.00003; ExAC 0.00007; gnomAD 0.00001; ESP Exome Variant Server 0.00008.
gnomAD v4.1: 49 of 1,614,000 alleles (0.003%); highest among the groups gnomAD compares: Middle Eastern, 0.016%; no homozygotes.

Submissions (6):

Laboratory of Genetic Epidemiology, Research Centre for Medical Genetics
Classification: Uncertain significance for SKIN/HAIR/EYE PIGMENTATION 5, BLACK/NONBLACK HAIR; Oculocutaneous albinism type 4. Last evaluated: 2025-01-01. Review status: criteria provided, single submitter. Criteria: ACMG Guidelines, 2015. Collection method: clinical testing. Allele origin: unknown. Inheritance: Autosomal recessive inheritance. Affected: yes. Observed: 1 heterozygote.
Comment: This variant has been previously reported in the literature (PMIDs: 29345414, 34426522, 34078970) and is listed in gnomAD v3.1.2 with allele frequency 0.00001 in Europe (1/68024). The affected amino acid position is evolutionarily conserved and multiple in silico prediction tools support a deleterious effect. Taken together, the variant meets the following ACMG/AMP criteria and can be classified as uncertain significance with PM2, PP5, PP4 criteria.

Blueprint Genetics
Classification: Uncertain significance. Last evaluated: 2024-11-18. Review status: criteria provided, single submitter. Criteria: ACMG Guidelines, 2015. Collection method: clinical testing. Allele origin: germline.

Fulgent Genetics
Classification: Uncertain significance for SKIN/HAIR/EYE PIGMENTATION 5, BLACK/NONBLACK HAIR; Oculocutaneous albinism type 4. Last evaluated: 2024-03-20. Review status: criteria provided, single submitter. Criteria: ACMG Guidelines, 2015. Collection method: clinical testing. Allele origin: germline.

Labcorp Genetics (formerly Invitae), Labcorp
Classification: Uncertain significance. Last evaluated: 2022-08-06. Review status: criteria provided, single submitter. Criteria: Invitae Variant Classification Sherloc (09022015). Collection method: clinical testing. Allele origin: germline.
Comment: This sequence change replaces alanine, which is neutral and non-polar, with threonine, which is neutral and polar, at codon 523 of the SLC45A2 protein (p.Ala523Thr). This variant is present in population databases (rs371334000, gnomAD 0.009%). This missense change has been observed in individual(s) with oculocutaneous albinism (PMID: 29345414). In at least one individual the data is consistent with being in trans (on the opposite chromosome) from a pathogenic variant. ClinVar contains an entry for this variant (Variation ID: 1318809). Algorithms developed to predict the effect of missense changes on protein structure and function are either unavailable or do not agree on the potential impact of this missense change (SIFT: "Deleterious"; PolyPhen-2: "Possibly Damaging"; Align-GVGD: "Class C0"). In summary, the available evidence is currently insufficient to determine the role of this variant in disease. Therefore, it has been classified as a Variant of Uncertain Significance.

GeneDx
Classification: Uncertain significance. Last evaluated: 2019-10-11. Review status: criteria provided, single submitter. Criteria: GeneDx Variant Classification Process June 2021. Collection method: clinical testing. Allele origin: germline. Affected: yes.
Comment: In silico analysis, which includes protein predictors and evolutionary conservation, supports that this variant does not alter protein structure/function; This variant is associated with the following publications: (PMID: 29345414)

Breakthrough Genomics
Classification: Uncertain significance. Review status: criteria provided, single submitter. Criteria: ACMG Guidelines, 2015. Collection method: not provided. Allele origin: germline. Inheritance: Autosomal recessive inheritance. Affected: yes.

Literature cited by the submitters: PubMed 29345414 (cited by Laboratory of Genetic Epidemiology, Research Centre for Medical Genetics and Labcorp Genetics (formerly Invitae), Labcorp); PubMed 34426522 (cited by Laboratory of Genetic Epidemiology, Research Centre for Medical Genetics); PubMed 34078970 (cited by Laboratory of Genetic Epidemiology, Research Centre for Medical Genetics); PubMed 41428507 (cited by Laboratory of Genetic Epidemiology, Research Centre for Medical Genetics).

NM_016180.5(SLC45A2):c.1567G>A (p.Ala523Thr)

Gene: SLC45A2 (solute carrier family 45 member 2; minus strand). Cytogenetic location: 5p13.2.
Variant type: single nucleotide variant.
Coding change: c.1567G>A on transcript NM_016180.5 (MANE Select); coding-DNA position 1567, G replaced by A.
Protein change: p.Ala523Thr; replaces alanine 523 with threonine.
Molecular consequence: missense variant.
Genome position (GRCh38, 1-based): chr5:33,944,674, C>T on the plus strand (G>A on the coding strand, the complement: SLC45A2 is on the minus strand). VCF-style: chr5-33944674-C-T. GRCh37 (hg19) VCF-style: chr5-33944779-C-T.
Other names: c.1567G>A (NM_016180.4); short protein forms A523T.
Identifiers: ClinVar variation 1318809 (VCV001318809.10), dbSNP rs371334000, ClinGen allele CA3225411.
Genomic context (GRCh38, chr5:33,944,674, plus strand): 5'-TCTCTGAGGTTAGGGTCATTGTCTCTTTATTGACCTAATCCACATATCTAACAAAGAGAG[C>T]GACAAAGCAACAGCCTATCAGTGCCACCGCAGACGCTGTGATCACCACGACGACAACGGT-3'
Protein context (NP_057264.4, residues 513-530): AVALIGCCFV[Ala523Thr]LFVRYVD